The following is an entry in ClinVar:

NM_000169.3(GLA):c.99C>A (p.Asp33Glu)

Genes: GLA (galactosidase alpha; minus strand), RPL36A-HNRNPH2 (RPL36A-HNRNPH2 readthrough; plus strand). Cytogenetic location: Xq22.1.
Variant type: single nucleotide variant.
Coding change: c.99C>A on transcript NM_000169.3 (MANE Select); coding-DNA position 99, C replaced by A.
Protein change: p.Asp33Glu; replaces aspartic acid 33 with glutamic acid.
Molecular consequence: missense variant. On other transcripts: intron variant (2), non-coding transcript variant (3).
Genome position (GRCh38, 1-based): chrX:101,407,805, G>T on the plus strand (C>A on the coding strand, the complement: GLA is on the minus strand). VCF-style: chrX-101407805-G-T. GRCh37 (hg19) VCF-style: chrX-100662793-G-T.
Other names: c.178-4131G>T (NM_001199974.2); c.99C>A, p.Asp33Glu (NM_001406747.1, NM_001406748.1, NM_001406749.1); c.301-4131G>T (NM_001199973.2); short protein forms D33E.
Identifiers: ClinVar variation 4729129 (VCV004729129.1).

ClinVar aggregate classification (germline): Uncertain significance (1 of 4 stars; one submission).

Conditions:
Fabry disease. Also called: Fabry's disease; ALPHA-GALACTOSIDASE A DEFICIENCY; ANDERSON-FABRY DISEASE; CERAMIDE TRIHEXOSIDASE DEFICIENCY; GLA DEFICIENCY; HEREDITARY DYSTOPIC LIPIDOSIS. Identifiers: Orphanet 324, MedGen C0002986, MONDO:0010526, OMIM 301500, HP:0001071. Disease mechanism: Fabry disease is due to inactivating mutations in the X-linked GLA gene resulting in deficiency of the enzyme Alpha Galactosidase-A., loss of function.

gnomAD v4.1: 1 of 1,210,578 alleles (0.000083%); highest among the groups gnomAD compares: Non-Finnish European, 0.00011%; no homozygotes.

Submission:

Labcorp Genetics (formerly Invitae), Labcorp
Classification: Uncertain significance for Fabry disease. Last evaluated: 2025-07-20. Review status: criteria provided, single submitter. Criteria: Invitae Variant Classification Sherloc (09022015). Collection method: clinical testing. Allele origin: germline.
Comment: This sequence change replaces aspartic acid, which is acidic and polar, with glutamic acid, which is acidic and polar, at codon 33 of the GLA protein (p.Asp33Glu). This variant is not present in population databases (gnomAD no frequency). This variant has not been reported in the literature in individuals affected with GLA-related conditions. Invitae Evidence Modeling of protein sequence and biophysical properties (such as structural, functional, and spatial information, amino acid conservation, physicochemical variation, residue mobility, and thermodynamic stability) indicates that this missense variant is not expected to disrupt GLA protein function with a negative predictive value of 80%. This variant disrupts the p.Asp33 amino acid residue in GLA. Other variant(s) that disrupt this residue have been observed in individuals with GLA-related conditions (PMID: 30477121, 30988410, 32843101), which suggests that this may be a clinically significant amino acid residue. In summary, the available evidence is currently insufficient to determine the role of this variant in disease. Therefore, it has been classified as a Variant of Uncertain Significance.

Literature cited by the submitters: PubMed 30477121; PubMed 30988410; PubMed 32843101.